The following is an entry in ClinVar:

NM_022168.4(IFIH1):c.2597C>T (p.Pro866Leu)

Gene: IFIH1 (interferon induced with helicase C domain 1; minus strand). Cytogenetic location: 2q24.2.
Variant type: single nucleotide variant.
Coding change: c.2597C>T on transcript NM_022168.4 (MANE Select); coding-DNA position 2597, C replaced by T.
Protein change: p.Pro866Leu; replaces proline 866 with leucine.
Molecular consequence: missense variant.
Genome position (GRCh38, 1-based): chr2:162,272,245, G>A on the plus strand (C>T on the coding strand, the complement: IFIH1 is on the minus strand). VCF-style: chr2-162272245-G-A. GRCh37 (hg19) VCF-style: chr2-163128755-G-A.
Other names: p.Pro866Leu; c.2597C>T, p.Pro866Leu (LRG_1235t1); c.2597C>T (NM_022168.2); short protein forms P866L.
Identifiers: ClinVar variation 541773 (VCV000541773.56), dbSNP rs200833729, ClinGen allele CA1934139.

ClinVar aggregate classification (germline): Likely benign. Review status: criteria provided, multiple submitters, no conflicts (2 of 4 stars). 8 submissions from 8 submitters: Likely benign (7). 1 of the submissions does not count toward it. Last evaluated 2026-05-01.

Conditions:
IFIH1-related disorder. Also called: IFIH1-related condition.
Singleton-Merten syndrome 1 (SGMRT1). Also called: Widened medullary cavities of bone, aortic calcification, abnormal dentition, and muscular weakness; Syndrome of widened medullary cavities of the metacarpals and phalanges, aortic calcification and abnormal dentition. Identifiers: Orphanet 85191, MedGen C4225427, MONDO:0024535, OMIM 182250.
Aicardi-Goutieres syndrome 7 (AGS7). Identifiers: Orphanet 51, MedGen C3888244, MONDO:0014367, OMIM 615846.
Inborn genetic diseases. Identifiers: MedGen C0950123, MeSH D030342.

Allele frequency attached by ClinVar (database versions not stated): ESP Exome Variant Server 0.00023; gnomAD 0.00025; TOPMed 0.00025; 1000 Genomes Project 30x 0.00031; gnomAD exomes 0.00031 and 0.00040; 1000 Genomes Project 0.00040; ExAC 0.00047.
gnomAD v4.1: 516 of 1,611,814 alleles (0.032%); highest among the groups gnomAD compares: Middle Eastern, 1.2%; 6 homozygotes.

Submissions (8):

CeGaT Center for Human Genetics Tuebingen
Classification: Likely benign. Last evaluated: 2026-05-01. Review status: criteria provided, single submitter. Criteria: CeGaT Center For Human Genetics Tuebingen Variant Classification Criteria Version 2. Collection method: clinical testing. Allele origin: germline. Affected: yes. Observed: 3 variant alleles.
Comment: IFIH1: BP4, BS2

Women's Health and Genetics/Laboratory Corporation of America, LabCorp
Classification: Likely benign. Last evaluated: 2026-02-10. Review status: criteria provided, single submitter. Criteria: LabCorp Variant Classification Summary - May 2015. Collection method: clinical testing. Allele origin: germline.
Comment: Variant summary: IFIH1 c.2597C>T (p.Pro866Leu) results in a non-conservative amino acid change in the encoded protein sequence. Algorithms developed to predict the effect of missense changes on protein structure and function are either unavailable or do not agree on the potential impact of this missense change. The variant allele was found at a frequency of 0.0004 in 248756 control chromosomes. The observed variant frequency exceeds the estimated maximal expected allele frequency for disease-causing variants in IFIH1. To our knowledge, no occurrence of c.2597C>T in individuals affected with IFIH1-related conditions and no experimental evidence demonstrating its impact on protein function have been reported. ClinVar contains an entry for this variant (Variation ID: 541773). Based on the evidence outlined above, the variant was classified as likely benign.

Labcorp Genetics (formerly Invitae), Labcorp
Classification: Likely benign for Aicardi-Goutieres syndrome 7; Singleton-Merten syndrome 1. Last evaluated: 2026-02-03. Review status: criteria provided, single submitter. Criteria: Invitae Variant Classification Sherloc (09022015). Collection method: clinical testing. Allele origin: germline.

Mayo Clinic Laboratories, Mayo Clinic
Classification: Likely benign. Last evaluated: 2025-07-23. Review status: criteria provided, single submitter. Criteria: ACMG Guidelines, 2015. Collection method: clinical testing. Allele origin: germline. Observed: 2 variant alleles.
Comment: BS2_supporting, BP4_moderate

Blueprint Genetics
Classification: Likely benign. Last evaluated: 2024-10-23. Review status: criteria provided, single submitter. Criteria: ACMG Guidelines, 2015. Collection method: clinical testing. Allele origin: germline.

Ambry Genetics
Classification: Likely benign for Inborn genetic diseases. Last evaluated: 2023-01-10. Review status: criteria provided, single submitter. Criteria: Ambry Variant Classification Scheme 2023. Collection method: clinical testing. Allele origin: germline.

Breakthrough Genomics
Classification: Likely benign. Review status: criteria provided, single submitter. Criteria: ACMG Guidelines, 2015. Collection method: not provided. Allele origin: germline. Inheritance: Autosomal recessive inheritance. Affected: yes.

PreventionGenetics, part of Exact Sciences
Classification: Likely benign for IFIH1-related condition. Last evaluated: 2023-01-24. Review status: no assertion criteria provided. Collection method: clinical testing. Allele origin: germline. Not counted in ClinVar's aggregate classification.
Comment: This variant is classified as likely benign based on ACMG/AMP sequence variant interpretation guidelines (Richards et al. 2015 PMID: 25741868, with internal and published modifications).

Literature cited by the submitters: PubMed 32853466 (cited by Mayo Clinic Laboratories, Mayo Clinic); PubMed 35086391 (cited by Mayo Clinic Laboratories, Mayo Clinic).